The following is an entry in ClinVar:

ClinVar aggregate classification (germline): Likely benign (1 of 4 stars; one submission).

Allele frequency attached by ClinVar (database versions not stated): ESP Exome Variant Server 0.00015; 1000 Genomes Project 30x 0.00016.
gnomAD v4.1: 638 of 1,613,550 alleles (0.04%); highest among the groups gnomAD compares: Non-Finnish European, 0.049%; 1 homozygote.

Submission:

CeGaT Center for Human Genetics Tuebingen
Classification: Likely benign. Last evaluated: 2023-08-01. Review status: criteria provided, single submitter. Criteria: CeGaT Center For Human Genetics Tuebingen Variant Classification Criteria Version 2. Collection method: clinical testing. Allele origin: germline. Affected: yes. Observed: 1 variant allele.
Comment: LY75: BP4

NM_002349.4(LY75):c.2931C>A (p.Ser977Arg)

Genes: LY75 (lymphocyte antigen 75; minus strand), LY75-CD302 (LY75-CD302 readthrough; minus strand). Cytogenetic location: 2q24.2.
Variant type: single nucleotide variant.
Coding change: c.2931C>A on transcript NM_002349.4 (MANE Select); coding-DNA position 2931, C replaced by A.
Protein change: p.Ser977Arg; replaces serine 977 with arginine.
Molecular consequence: missense variant.
Genome position (GRCh38, 1-based): chr2:159,850,420, G>T on the plus strand (C>A on the coding strand, the complement: LY75 is on the minus strand). VCF-style: chr2-159850420-G-T. GRCh37 (hg19) VCF-style: chr2-160706931-G-T.
Other names: c.2931C>A, p.Ser977Arg (NM_001198759.1, NM_001198760.1); short protein forms S977R.
Identifiers: ClinVar variation 2651461 (VCV002651461.24), dbSNP rs149297961, ClinGen allele CA1926688.